The following is an entry in ClinVar:

NM_000038.6(APC):c.947A>G (p.Tyr316Cys)

Gene: APC (APC regulator of Wnt signaling pathway; plus strand). Cytogenetic location: 5q22.2.
Variant type: single nucleotide variant.
Coding change: c.947A>G on transcript NM_000038.6 (MANE Select); coding-DNA position 947, A replaced by G.
Protein change: p.Tyr316Cys; replaces tyrosine 316 with cysteine.
Molecular consequence: missense variant. On other transcripts: intron variant (4).
Genome position (GRCh38, 1-based): chr5:112,818,979, A>G. VCF-style: chr5-112818979-A-G. GRCh37 (hg19) VCF-style: chr5-112154676-A-G.
Other names: c.947A>G, p.Tyr316Cys (NM_001127510.3, NM_001354895.2, NM_001354896.2); c.893A>G, p.Tyr298Cys (NM_001127511.3); c.977A>G, p.Tyr326Cys (NM_001354897.2); c.872A>G, p.Tyr291Cys (NM_001354898.2); c.863A>G, p.Tyr288Cys (NM_001354899.2); c.770A>G, p.Tyr257Cys (NM_001354900.2, NM_001354901.2); c.98A>G, p.Tyr33Cys (NM_001354906.2); c.964-290A>G (NM_001354902.2); and 3 more; short protein forms Y298C, Y316C, Y288C, Y257C, Y33C, Y291C, Y326C.
Identifiers: ClinVar variation 232286 (VCV000232286.9), dbSNP rs876659673, ClinGen allele CA10578304.
Genomic context (GRCh38, chr5:112,818,979, plus strand): 5'-TGGATATTAAAGTCGTAATTTTGTTTCTAAACTCATTTGGCCCACAGGTGGAAATGGTGT[A>G]TTCATTGTTGTCAATGCTTGGTACTCATGATAAGGATGATATGTCGCGAACTTTGCTAGC-3'
Protein context (NP_000029.2, residues 306-326): SHLGTKVEMV[Tyr316Cys]SLLSMLGTHD

ClinVar aggregate classification (germline): Uncertain significance. Review status: criteria provided, multiple submitters, no conflicts (2 of 4 stars). 3 submissions from 3 submitters: Uncertain significance (3). Last evaluated 2025-04-08.

Conditions:
Hereditary cancer-predisposing syndrome. Also called: Neoplastic Syndromes, Hereditary; Tumor predisposition; Hereditary Cancer Syndrome; Hereditary neoplastic syndrome. Identifiers: Orphanet 140162, MedGen C0027672, MeSH D009386, MONDO:0015356.
Familial adenomatous polyposis 1 (FAP1). Also called: FAMILIAL ADENOMATOUS POLYPOSIS 1, ATTENUATED; POLYPOSIS, ADENOMATOUS INTESTINAL. Identifiers: MedGen C2713442, MONDO:0021056, OMIM 175100. Disease mechanism: loss of function.

Submissions (3):

Labcorp Genetics (formerly Invitae), Labcorp
Classification: Uncertain significance for Familial adenomatous polyposis 1. Last evaluated: 2025-04-08. Review status: criteria provided, single submitter. Criteria: Invitae Variant Classification Sherloc (09022015). Collection method: clinical testing. Allele origin: germline.
Comment: This sequence change replaces tyrosine, which is neutral and polar, with cysteine, which is neutral and slightly polar, at codon 316 of the APC protein (p.Tyr316Cys). This variant is not present in population databases (gnomAD no frequency). This variant has not been reported in the literature in individuals affected with APC-related conditions. ClinVar contains an entry for this variant (Variation ID: 232286). Invitae Evidence Modeling of protein sequence and biophysical properties (such as structural, functional, and spatial information, amino acid conservation, physicochemical variation, residue mobility, and thermodynamic stability) has been performed for this missense variant. However, the output from this modeling did not meet the statistical confidence thresholds required to predict the impact of this variant on APC protein function. In summary, the available evidence is currently insufficient to determine the role of this variant in disease. Therefore, it has been classified as a Variant of Uncertain Significance.

Ambry Genetics
Classification: Uncertain significance for Hereditary cancer-predisposing syndrome. Last evaluated: 2024-02-01. Review status: criteria provided, single submitter. Criteria: Ambry Variant Classification Scheme 2023. Collection method: clinical testing. Allele origin: germline.
Comment: The p.Y316C variant (also known as c.947A>G), located in coding exon 9 of the APC gene, results from an A to G substitution at nucleotide position 947. The tyrosine at codon 316 is replaced by cysteine, an amino acid with highly dissimilar properties. This amino acid position is highly conserved in available vertebrate species. In addition, in silico predictors for this gene do not accurately predict pathogenicity. Based on the available evidence, the clinical significance of this alteration remains unclear.

Institute for Biomarker Research, Medical Diagnostic Laboratories, L.L.C.
Classification: Uncertain significance for Hereditary cancer-predisposing syndrome. Last evaluated: 2023-03-30. Review status: criteria provided, single submitter. Criteria: ACMG Guidelines, 2015. Collection method: clinical testing. Allele origin: germline.